The following is an entry in ClinVar:

ClinVar aggregate classification (germline): Uncertain significance. Review status: criteria provided, multiple submitters, no conflicts (2 of 4 stars). 4 submissions from 4 submitters: Uncertain significance (4). Last evaluated 2026-08-06.

Conditions:
Usher syndrome type 1 (USH1). Also called: RETINITIS PIGMENTOSA AND CONGENITAL DEAFNESS. Identifiers: Orphanet 231169, Orphanet 886, MedGen C1568247, MONDO:0010168, OMIM 276900.

Allele frequency attached by ClinVar (database versions not stated): gnomAD 0.00004; TOPMed 0.00005; ExAC 0.00002; ESP Exome Variant Server 0.00008.
gnomAD v4.1: 29 of 1,613,820 alleles (0.0018%); highest among the groups gnomAD compares: African/African-American, 0.0027%; no homozygotes.

Submissions (4):

OLLIN Analises Genomicas, OLLIN
Classification: Uncertain significance for Usher syndrome type 1. Last evaluated: 2026-08-06. Review status: criteria provided, single submitter. Criteria: ACMG Guidelines 2015 PMID 25741868. Collection method: clinical testing. Allele origin: germline. Inheritance: Autosomal dominant inheritance.
Comment: This missense variant, located in exon 7 (of 49), has been reported in ClinVar (accession VCV002177507.4) and in gnomAD with an allele frequency of 0.0018%. However, to our knowledge, it has not been reported in the scientific literature. In silico analysis predicts that this variant has a deleterious effect. Another pathogenic variant affecting the same amino acid residue has been reported. According to the currently available evidence, this variant has been classified as uncertain significance (PM2_P, PM5, PP3).

Dasa
Classification: Uncertain significance. Last evaluated: 2025-08-20. Review status: criteria provided, single submitter. Criteria: DASA Assertion Criteria. Collection method: clinical testing. Allele origin: germline.
Comment: NM_000260.4(MYO7A):c.688G>A (p.Ala230Thr) is a missense variant that results in the substitution of alanine with threonine. The affected residue or protein region has prior evidence supporting clinical relevance. This variant is rare in population databases. Computational prediction algorithms are consistent with a deleterious effect. The currently available literature and clinical evidence are not sufficient to establish a definitive association between this variant and the reported condition. Therefore, this variant is classified as a variant of uncertain significance.

Labcorp Genetics (formerly Invitae), Labcorp
Classification: Uncertain significance. Last evaluated: 2024-11-18. Review status: criteria provided, single submitter. Criteria: Invitae Variant Classification Sherloc (09022015). Collection method: clinical testing. Allele origin: germline.
Comment: This sequence change replaces alanine, which is neutral and non-polar, with threonine, which is neutral and polar, at codon 230 of the MYO7A protein (p.Ala230Thr). This variant is present in population databases (rs375182858, gnomAD 0.006%). This variant has not been reported in the literature in individuals affected with MYO7A-related conditions. ClinVar contains an entry for this variant (Variation ID: 2177507). Invitae Evidence Modeling of protein sequence and biophysical properties (such as structural, functional, and spatial information, amino acid conservation, physicochemical variation, residue mobility, and thermodynamic stability) indicates that this missense variant is expected to disrupt MYO7A protein function with a positive predictive value of 95%. In summary, the available evidence is currently insufficient to determine the role of this variant in disease. Therefore, it has been classified as a Variant of Uncertain Significance.

Blueprint Genetics
Classification: Uncertain significance. Last evaluated: 2024-09-19. Review status: criteria provided, single submitter. Criteria: ACMG Guidelines, 2015. Collection method: clinical testing. Allele origin: germline.

NM_000260.4(MYO7A):c.688G>A (p.Ala230Thr)

Gene: MYO7A (myosin VIIA; plus strand). Cytogenetic location: 11q13.5.
Variant type: single nucleotide variant.
Coding change: c.688G>A on transcript NM_000260.4 (MANE Select); coding-DNA position 688, G replaced by A.
Protein change: p.Ala230Thr; replaces alanine 230 with threonine.
Molecular consequence: missense variant.
Genome position (GRCh38, 1-based): chr11:77,156,957, G>A. VCF-style: chr11-77156957-G-A. GRCh37 (hg19) VCF-style: chr11-76868003-G-A.
Other names: c.688G>A, p.Ala230Thr (NM_001127180.2); c.655G>A, p.Ala219Thr (NM_001369365.1); short protein forms A219T, A230T.
Identifiers: ClinVar variation 2177507 (VCV002177507.7), dbSNP rs375182858, ClinGen allele CA6197219.
Genomic context (GRCh38, chr11:77,156,957, plus strand): 5'-TCAAGCCGTTTCGGAAAGTACATCGACATCCACTTCAACAAGCGGGGCGCCATCGAGGGC[G>A]CGAAGATTGAGCAGTACCTGCTGGAAAAGTCACGTGTCTGTCGCCAGGTGGGCCTGAGCC-3'
Protein context (NP_000251.3, residues 220-240): HFNKRGAIEG[Ala230Thr]KIEQYLLEKS